The following is an entry in ClinVar:

NM_001136191.3(KANK2):c.1328G>T (p.Ser443Ile)

Gene: KANK2 (KN motif and ankyrin repeat domains 2; minus strand). Cytogenetic location: 19p13.2.
Variant type: single nucleotide variant.
Coding change: c.1328G>T on transcript NM_001136191.3 (MANE Select); coding-DNA position 1328, G replaced by T.
Protein change: p.Ser443Ile; replaces serine 443 with isoleucine.
Molecular consequence: missense variant.
Genome position (GRCh38, 1-based): chr19:11,178,642, C>A on the plus strand (G>T on the coding strand, the complement: KANK2 is on the minus strand). VCF-style: chr19-11178642-C-A. GRCh37 (hg19) VCF-style: chr19-11289318-C-A.
Other names: c.1328G>T, p.Ser443Ile (NM_001329451.2, NM_001379548.1, NM_001379549.1 and 15 more transcripts); short protein forms S443I.
Identifiers: ClinVar variation 3287312 (VCV003287312.2).

ClinVar aggregate classification (germline): Uncertain significance. Review status: criteria provided, multiple submitters, no conflicts (2 of 4 stars). 2 submissions from 2 submitters: Uncertain significance (2). Last evaluated 2025-12-26.

gnomAD v4.1: 21 of 1,586,300 alleles (0.0013%); highest among the groups gnomAD compares: Admixed American, 0.015%; no homozygotes.

Submissions (2):

Labcorp Genetics (formerly Invitae), Labcorp
Classification: Uncertain significance. Last evaluated: 2025-12-26. Review status: criteria provided, single submitter. Criteria: Invitae Variant Classification Sherloc (09022015). Collection method: clinical testing. Allele origin: germline.
Comment: This sequence change replaces serine, which is neutral and polar, with isoleucine, which is neutral and non-polar, at codon 443 of the KANK2 protein (p.Ser443Ile). This variant is present in population databases (rs370000419, gnomAD 0.008%). This variant has not been reported in the literature in individuals affected with KANK2-related conditions. ClinVar contains an entry for this variant (Variation ID: 3287312). An algorithm developed to predict the effect of missense changes on protein structure and function (PolyPhen-2) suggests that this variant is likely to be tolerated. In summary, the available evidence is currently insufficient to determine the role of this variant in disease. Therefore, it has been classified as a Variant of Uncertain Significance.

Ambry Genetics
Classification: Uncertain significance. Last evaluated: 2024-05-29. Review status: criteria provided, single submitter. Criteria: Ambry Variant Classification Scheme 2023. Collection method: clinical testing. Allele origin: germline.